The following is an entry in ClinVar:

NM_001128425.2(MUTYH):c.3G>A (p.Met1Ile)

Genes: MUTYH (mutY DNA glycosylase; minus strand), TOE1 (target of EGR1, exonuclease; plus strand). Cytogenetic location: 1p34.1.
Variant type: single nucleotide variant.
Coding change: c.3G>A on transcript NM_001128425.2 (MANE Plus Clinical); coding-DNA position 3, G replaced by A.
Protein change: p.Met1Ile; changes the start codon (methionine 1).
Molecular consequence: missense variant, initiator codon variant. On other transcripts: 5 prime UTR variant (8), non-coding transcript variant (3).
Genome position (GRCh38, 1-based): chr1:45,340,252, C>T on the plus strand (G>A on the coding strand, the complement: MUTYH is on the minus strand). VCF-style: chr1-45340252-C-T. GRCh37 (hg19) VCF-style: chr1-45805924-C-T.
Other names: c.-1C>T (NM_025077.4); c.-40G>A (NM_001048171.2); c.3G>A, p.Met1Ile (NM_001293190.2, NM_001407069.1, NM_001407073.1 and 1 more transcripts); c.-252G>A (NM_001293192.2); c.-311G>A (NM_001350650.2); c.-247G>A (NM_001350651.2); c.-56G>A (NM_001407070.1, NM_001407071.1); c.-36G>A (NM_001407072.1); short protein forms M1I.
Identifiers: ClinVar variation 920563 (VCV000920563.9), dbSNP rs757906591, ClinGen allele CA089497.

ClinVar aggregate classification (germline): Uncertain significance. Review status: criteria provided, multiple submitters, no conflicts (2 of 4 stars). 2 submissions from 2 submitters: Uncertain significance (2). Last evaluated 2023-08-08.

Conditions:
Hereditary cancer-predisposing syndrome. Also called: Tumor predisposition; Neoplastic Syndromes, Hereditary; Hereditary neoplastic syndrome; Hereditary Cancer Syndrome. Identifiers: Orphanet 140162, MedGen C0027672, MeSH D009386, MONDO:0015356.

Allele frequency attached by ClinVar (database versions not stated): TOPMed below 0.00001; ExAC 0.00001; gnomAD 0.00001 and below 0.00001; gnomAD exomes 0.00001.
gnomAD v4.1: 6 of 1,613,620 alleles (0.00037%); highest among the groups gnomAD compares: South Asian, 0.0066%; no homozygotes.

Submissions (2):

Color Diagnostics, LLC DBA Color Health
Classification: Uncertain significance for Hereditary cancer-predisposing syndrome. Last evaluated: 2023-08-08. Review status: criteria provided, single submitter. Criteria: ACMG Guidelines, 2015. Collection method: clinical testing. Allele origin: germline.
Comment: This variant results in the loss of the translation start codon of the MUTYH protein. However, there are alternative transcripts using downstream in-frame Methionine at codon 15 as an initiator codon. Rescue of the translation may result in the N-terminal truncation missing mitochondrial localization signal (MLS) (residues 1-14), but the role of MLS is not well understood (PMID: 20725929). Splice site prediction tools suggest that this variant may not impact RNA splicing. This variant has not been reported in individuals affected with hereditary cancer in the literature. This variant has been identified in 2/248914 chromosomes in the general population by the Genome Aggregation Database (gnomAD). The available evidence is insufficient to determine the role of this variant in disease conclusively. Therefore, this variant is classified as a Variant of Uncertain Significance.

Ambry Genetics
Classification: Uncertain significance for Hereditary cancer-predisposing syndrome. Last evaluated: 2023-04-12. Review status: criteria provided, single submitter. Criteria: Ambry Variant Classification Scheme 2023. Collection method: clinical testing. Allele origin: germline.
Comment: The p.M1? variant (also known as c.3G>A), located in coding exon 1 of the MUTYH gene, results from a G to A substitution at nucleotide position 3. This alters the methionine residue at the initiation codon. Variations that modify the initiation codon (ATG) are expected to result in either loss of translation initiation, N-terminal truncation, or cause a shift in the mRNA reading frame; however, there are in-frame methionines 15 and 54 amino acids from the initiation site, which may result in N-terminal truncation of unknown functional significance. This amino acid position is highly conserved in available vertebrate species. Since supporting evidence is limited at this time, the clinical significance of this variant remains unclear.

Literature cited by the submitters: PubMed 20725929 (cited by Color Diagnostics, LLC DBA Color Health).